The following is an entry in ClinVar:

NM_000531.6(OTC):c.701A>G (p.Glu234Gly)

Gene: OTC (ornithine transcarbamylase; plus strand). Cytogenetic location: Xp11.4.
Variant type: single nucleotide variant.
Coding change: c.701A>G on transcript NM_000531.6 (MANE Select); coding-DNA position 701, A replaced by G.
Protein change: p.Glu234Gly; replaces glutamic acid 234 with glycine.
Molecular consequence: missense variant.
Genome position (GRCh38, 1-based): chrX:38,408,779, A>G. VCF-style: chrX-38408779-A-G. GRCh37 (hg19) VCF-style: chrX-38268032-A-G.
Other names: c.701A>G, p.Glu234Gly (NM_001407092.1); short protein forms E234G.
Identifiers: ClinVar variation 2199822 (VCV002199822.2), dbSNP rs1159781419, ClinGen allele CA412721609.

ClinVar aggregate classification (germline): Uncertain significance. Review status: criteria provided, multiple submitters, no conflicts (2 of 4 stars). 2 submissions from 2 submitters: Uncertain significance (2). Last evaluated 2024-03-07.

Conditions:
Ornithine carbamoyltransferase deficiency (OTCD). Also called: OTC DEFICIENCY; ORNITHINE TRANSCARBAMYLASE DEFICIENCY; ORNITHINE TRANSCARBAMYLASE DEFICIENCY, HYPERAMMONEMIA DUE TO; Ornithine Carbamoyltransferase Deficiency Disease. Identifiers: Orphanet 664, MedGen C0268542, MONDO:0010703, OMIM 311250.

Allele frequency attached by ClinVar (database versions not stated): gnomAD exomes 0.00001; gnomAD 0.00004; TOPMed 0.00004.
gnomAD v4.1: 15 of 1,204,621 alleles (0.0012%); highest among the groups gnomAD compares: Non-Finnish European, 0.0017%; no homozygotes.

Submissions (2):

Color Diagnostics, LLC DBA Color Health
Classification: Uncertain significance for Ornithine carbamoyltransferase deficiency. Last evaluated: 2024-03-07. Review status: criteria provided, single submitter. Criteria: ACMG Guidelines, 2015. Collection method: clinical testing. Allele origin: germline.
Comment: This missense variant replaces glutamic acid with glycine at codon 234 of the OTC protein. Computational prediction is inconclusive regarding the impact of this variant on protein structure and function. To our knowledge, functional studies have not been reported for this variant. This variant has not been reported in individuals affected with ornithine carbamoyltransferase deficiency in the literature. This variant has been identified in 2/183231 chromosomes in the general population by the Genome Aggregation Database (gnomAD). The available evidence is insufficient to determine the role of this variant in disease conclusively. Therefore, this variant is classified as a Variant of Uncertain Significance.

Labcorp Genetics (formerly Invitae), Labcorp
Classification: Uncertain significance for Ornithine carbamoyltransferase deficiency. Last evaluated: 2022-06-27. Review status: criteria provided, single submitter. Criteria: Invitae Variant Classification Sherloc (09022015). Collection method: clinical testing. Allele origin: germline.
Comment: This sequence change replaces glutamic acid, which is acidic and polar, with glycine, which is neutral and non-polar, at codon 234 of the OTC protein (p.Glu234Gly). This variant is present in population databases (no rsID available, gnomAD 0.002%), including at least one homozygous and/or hemizygous individual. This variant has not been reported in the literature in individuals affected with OTC-related conditions. Advanced modeling of protein sequence and biophysical properties (such as structural, functional, and spatial information, amino acid conservation, physicochemical variation, residue mobility, and thermodynamic stability) performed at Invitae indicates that this missense variant is expected to disrupt OTC protein function. Algorithms developed to predict the effect of sequence changes on RNA splicing suggest that this variant may disrupt the consensus splice site. In summary, the available evidence is currently insufficient to determine the role of this variant in disease. Therefore, it has been classified as a Variant of Uncertain Significance.